The following is an entry in ClinVar:

NM_001385012.1(NBEA):c.3548A>G (p.Asp1183Gly)

Gene: NBEA (neurobeachin; plus strand). Cytogenetic location: 13q13.3.
Variant type: single nucleotide variant.
Coding change: c.3548A>G on transcript NM_001385012.1 (MANE Select); coding-DNA position 3548, A replaced by G.
Protein change: p.Asp1183Gly; replaces aspartic acid 1183 with glycine.
Molecular consequence: missense variant.
Genome position (GRCh38, 1-based): chr13:35,159,719, A>G. VCF-style: chr13-35159719-A-G. GRCh37 (hg19) VCF-style: chr13-35733856-A-G.
Other names: c.3548A>G, p.Asp1183Gly (NM_001379245.1, NM_015678.5); short protein forms D1183G.
Identifiers: ClinVar variation 2411626 (VCV002411626.26), dbSNP rs1054885736, ClinGen allele CA248106301.

ClinVar aggregate classification (germline): Conflicting classifications of pathogenicity. Review status: criteria provided, conflicting classifications (1 of 4 stars). 2 submissions from 2 submitters: Uncertain significance (1); Likely benign (1). Last evaluated 2022-12-21.

Conditions:
Inborn genetic diseases. Identifiers: MedGen C0950123, MeSH D030342.

Allele frequency attached by ClinVar (database versions not stated): gnomAD 0.00001; TOPMed 0.00001; gnomAD exomes 0.00003.
gnomAD v4.1: 47 of 1,612,444 alleles (0.0029%); highest among the groups gnomAD compares: Non-Finnish European, 0.0036%; no homozygotes.

Submissions (2):

Ambry Genetics
Classification: Uncertain significance for Inborn genetic diseases. Last evaluated: 2022-12-21. Review status: criteria provided, single submitter. Criteria: Ambry Variant Classification Scheme 2023. Collection method: clinical testing. Allele origin: germline.

CeGaT Center for Human Genetics Tuebingen
Classification: Likely benign. Last evaluated: 2022-12-01. Review status: criteria provided, single submitter. Criteria: CeGaT Center For Human Genetics Tuebingen Variant Classification Criteria Version 2. Collection method: clinical testing. Allele origin: germline. Affected: yes. Observed: 1 variant allele.
Comment: NBEA: BS2